The following is an entry in ClinVar:

ClinVar aggregate classification (germline): Conflicting classifications of pathogenicity. Review status: criteria provided, conflicting classifications (1 of 4 stars). 2 submissions from 2 submitters: Uncertain significance (1); Likely benign (1). Last evaluated 2023-03-23.

Conditions:
Hereditary cancer-predisposing syndrome. Also called: Hereditary Cancer Syndrome; Tumor predisposition; Neoplastic Syndromes, Hereditary; Hereditary neoplastic syndrome. Identifiers: Orphanet 140162, MedGen C0027672, MeSH D009386, MONDO:0015356.

Submissions (2):

University of Washington Department of Laboratory Medicine, University of Washington
Classification: Likely benign for Hereditary cancer-predisposing syndrome. Last evaluated: 2023-03-23. Review status: criteria provided, single submitter. Criteria: Dines et al. (Genet Med. 2020). Collection method: curation. Allele origin: germline.
Comment: Missense variant in a coldspot region where missense variants are very unlikely to be pathogenic (PMID:31911673).

BRCA1 coldspot (exon 11 using historical exon numbering). Reclassification based on statistical prior probability

Quest Diagnostics Nichols Institute San Juan Capistrano
Classification: Uncertain significance. Last evaluated: 2020-12-26. Review status: criteria provided, single submitter. Criteria: Quest Diagnostics criteria. Collection method: clinical testing. Allele origin: unknown.

NM_007294.4(BRCA1):c.1738T>C (p.Phe580Leu)

Gene: BRCA1 (BRCA1 DNA repair associated; minus strand). Cytogenetic location: 17q21.31.
Variant type: single nucleotide variant.
Coding change: c.1738T>C on transcript NM_007294.4 (MANE Select); coding-DNA position 1738, T replaced by C.
Protein change: p.Phe580Leu; replaces phenylalanine 580 with leucine.
Molecular consequence: missense variant. On other transcripts: intron variant (137).
Genome position (GRCh38, 1-based): chr17:43,093,793, A>G on the plus strand (T>C on the coding strand, the complement: BRCA1 is on the minus strand). VCF-style: chr17-43093793-A-G. GRCh37 (hg19) VCF-style: chr17-41245810-A-G.
Other names: c.1525T>C, p.Phe509Leu (NM_001407571.1, NM_001407853.1, NM_001407894.1 and 9 more transcripts); c.1738T>C, p.Phe580Leu (NM_001407581.1, NM_001407582.1, NM_001407583.1 and 30 more transcripts); c.1735T>C, p.Phe579Leu (NM_001407587.1, NM_001407590.1, NM_001407591.1 and 22 more transcripts); c.1729T>C, p.Phe577Leu (NM_001407646.1, NM_001407647.1); c.1615T>C, p.Phe539Leu (NM_001407648.1, NM_001407664.1, NM_001407665.1 and 19 more transcripts); c.1612T>C, p.Phe538Leu (NM_001407649.1, NM_001407670.1, NM_001407671.1 and 11 more transcripts); c.1660T>C, p.Phe554Leu (NM_001407653.1, NM_001407654.1, NM_001407655.1 and 4 more transcripts); c.1657T>C, p.Phe553Leu (NM_001407659.1, NM_001407660.1, NM_001407661.1 and 1 more transcripts); and 40 more; short protein forms F533L, F580L, F412L, F492L, F509L, F510L, F532L, F554L.
Identifiers: ClinVar variation 1330049 (VCV001330049.4), dbSNP rs2154427147, ClinGen allele CA10598555.